The following is an entry in ClinVar:

ClinVar aggregate classification (germline): Uncertain significance (1 of 4 stars; one submission).

Conditions:
Familial sleep-related hypermotor epilepsy. Also called: Autosomal Dominant Sleep-Related Hypermotor (Hyperkinetic) Epilepsy. Identifiers: Orphanet 98784, MedGen C3696898, MONDO:0000030.

Allele frequency attached by ClinVar (database versions not stated): TOPMed 0.00001; gnomAD 0.00001.
gnomAD v4.1: 22 of 1,511,840 alleles (0.0015%); highest among the groups gnomAD compares: East Asian, 0.0047%; no homozygotes.

Submission:

Labcorp Genetics (formerly Invitae), Labcorp
Classification: Uncertain significance. Last evaluated: 2025-10-26. Review status: criteria provided, single submitter. Criteria: Invitae Variant Classification Sherloc (09022015). Collection method: clinical testing. Allele origin: germline.
Comment: This sequence change replaces arginine, which is basic and polar, with histidine, which is basic and polar, at codon 450 of the CHRNA4 protein (p.Arg450His). The frequency data for this variant in the population databases is considered unreliable, as metrics indicate poor data quality at this position in the gnomAD database. This variant has not been reported in the literature in individuals affected with CHRNA4-related conditions. ClinVar contains an entry for this variant (Variation ID: 2201151). Invitae Evidence Modeling of protein sequence and biophysical properties (such as structural, functional, and spatial information, amino acid conservation, physicochemical variation, residue mobility, and thermodynamic stability) indicates that this missense variant is not expected to disrupt CHRNA4 protein function with a negative predictive value of 80%. In summary, the available evidence is currently insufficient to determine the role of this variant in disease. Therefore, it has been classified as a Variant of Uncertain Significance.

NM_000744.7(CHRNA4):c.1349G>A (p.Arg450His)

Gene: CHRNA4 (cholinergic receptor nicotinic alpha 4 subunit; minus strand). Cytogenetic location: 20q13.33.
Variant type: single nucleotide variant.
Coding change: c.1349G>A on transcript NM_000744.7 (MANE Select); coding-DNA position 1349, G replaced by A.
Protein change: p.Arg450His; replaces arginine 450 with histidine.
Molecular consequence: missense variant. On other transcripts: non-coding transcript variant (1).
Genome position (GRCh38, 1-based): chr20:63,350,062, C>T on the plus strand (G>A on the coding strand, the complement: CHRNA4 is on the minus strand). VCF-style: chr20-63350062-C-T. GRCh37 (hg19) VCF-style: chr20-61981414-C-T.
Other names: c.821G>A, p.Arg274His (NM_001256573.2); short protein forms R274H, R450H.
Identifiers: ClinVar variation 2201151 (VCV002201151.4), dbSNP rs1469610360, ClinGen allele CA409633812.